The following is an entry in ClinVar:

ClinVar aggregate classification (germline): Uncertain significance. Review status: reviewed by expert panel (3 of 4 stars). 5 submissions from 5 submitters: Uncertain significance (1). 4 of the submissions do not count toward it. Last evaluated 2025-08-01.

Conditions:
Malignant hyperthermia, susceptibility to, 1 (MHS1). Also called: RYR1-Related Malignant Hyperthermia Susceptibility; Anesthesia related hyperthermia; Malignant hyperpyrexia; Fulminating hyperpyrexia; Pharmacogenic myopathy; Malignant hyperthermia suceptibility 1. Identifiers: Orphanet 423, MedGen C2930980, MONDO:0007783, OMIM 145600.
RYR1-related disorder. Also called: RYR1-related condition; RYR1-related disorders. Identifiers: MedGen CN239331.
Malignant hyperthermia of anesthesia. Also called: Anesthesic-triggered malignant hyperthermia. Identifiers: Orphanet 423, MedGen C0024591, MONDO:0018493, HP:0034733.

Allele frequency attached by ClinVar (database versions not stated): gnomAD exomes 0.00001.
gnomAD v4.1: 12 of 1,612,736 alleles (0.00074%); highest among the groups gnomAD compares: Middle Eastern, 0.02%; no homozygotes.

Submissions (5):

ClinGen Malignant Hyperthermia Susceptibility Variant Curation Expert Panel, ClinGen
Classification: Uncertain significance for Malignant hyperthermia of anesthesia. Last evaluated: 2025-08-01. Review status: reviewed by expert panel. Criteria: ClinGen MHS ACMG Specifications V2. Collection method: curation. Allele origin: germline. Inheritance: Autosomal dominant inheritance.
Comment: This pathogenicity assessment is relevant only for malignant hyperthermia susceptibility (MHS) inherited in an autosomal dominant pattern. Variants in RYR1 can also cause other myopathies inherited in an autosomal dominant pattern or in an autosomal recessive pattern. Some of these disorders may predispose individuals to malignant hyperthermia. RYR1 variants may also contribute to a malignant hyperthermia reaction in combination with other genetic and non-genetic factors and the clinician needs to consider such factors in making management decisions. This sequence variant predicts a substitution of arginine with glutamine at codon 2126 of the RYR1 protein, p.(Arg2126Gln). The maximum allele frequency for this variant among the six major gnomAD populations is NFE: 0.000018, a frequency consistent with pathogenicity for MHS. This variant has been reported in two unrelated individuals who have a personal or family history of a malignant hyperthermia reaction; both of these individuals had a positive in vitro contracture test (IVCT) or caffeine halothane contracture test (CHCT) result (if the proband was unavailable for testing, a positive diagnostic test result in a mutation-positive relative was counted), (PMID:21455645, PMID:24433488). One of these individuals had a second variant of unknown significance identified in RYR1 (p.Gly3938Asp), PS4_Supporting. No functional studies were identified for this variant. This variant resides in a region of RYR1 considered to be a hotspot for pathogenic variants that contribute to MHS, PM1 (PMID: 21118704). A REVEL score of 0.796 supports neither a pathogenic nor a benign status for this variant. This variant has been classified as a Variant of Unknown Significance. Criteria implemented: PS4_Supporting, PM1.

Women's Health and Genetics/Laboratory Corporation of America, LabCorp
Classification: Uncertain significance. Last evaluated: 2025-10-27. Review status: criteria provided, single submitter. Criteria: LabCorp Variant Classification Summary - May 2015. Collection method: clinical testing. Allele origin: germline. Not counted in ClinVar's aggregate classification.
Comment: Variant summary: RYR1 c.6377G>A (p.Arg2126Gln) results in a conservative amino acid change in the encoded protein sequence. Algorithms developed to predict the effect of missense changes on protein structure and function are either unavailable or do not agree on the potential impact of this missense change. The variant allele was found at a frequency of 8e-06 in 250380 control chromosomes (gnomAD). The available data on variant occurrences in the general population are insufficient to allow any conclusion about variant significance. c.6377G>A has been observed in individuals affected with core myopathy or malignant hyperthermia susceptibility without strong evidence of causality (e.g., Kraeva_2011, Klinger_2014, Fusto_2022). These reports do not provide unequivocal conclusions about association of the variant with Congenital Multicore Myopathy With External Ophthalmoplegia. To our knowledge, no experimental evidence demonstrating an impact on protein function has been reported. The following publications have been ascertained in the context of this evaluation (PMID: 35428369, 21455645, 24433488). ClinVar contains an entry for this variant (Variation ID: 1213820). Based on the evidence outlined above, the variant was classified as uncertain significance.

Color Diagnostics, LLC DBA Color Health
Classification: Uncertain significance for Malignant hyperthermia, susceptibility to, 1. Last evaluated: 2025-07-11. Review status: criteria provided, single submitter. Criteria: ACMG Guidelines, 2015. Collection method: clinical testing. Allele origin: germline. Not counted in ClinVar's aggregate classification.
Comment: This missense variant replaces arginine with glutamine at codon 2126 of the RYR1 protein. Computational prediction is inconclusive about this variant's impact on protein structure and function. To our knowledge, functional studies have not been reported for this variant. This variant has been reported in two unrelated individuals affected with malignant hyperthermia reaction with a confirmatory in vitro test results (PMID:21455645, PMID:24433488). This variant has been identified in 2/250380 chromosomes in the general population by the Genome Aggregation Database (gnomAD). The available evidence is insufficient to determine the role of this variant in disease conclusively. Therefore, this variant is classified as a Variant of Uncertain Significance.

Labcorp Genetics (formerly Invitae), Labcorp
Classification: Uncertain significance for RYR1-related disorder. Last evaluated: 2025-05-26. Review status: criteria provided, single submitter. Criteria: Invitae Variant Classification Sherloc (09022015). Collection method: clinical testing. Allele origin: germline. Not counted in ClinVar's aggregate classification.
Comment: This sequence change replaces arginine, which is basic and polar, with glutamine, which is neutral and polar, at codon 2126 of the RYR1 protein (p.Arg2126Gln). The frequency data for this variant in the population databases is considered unreliable, as metrics indicate poor data quality at this position in the gnomAD database. This missense change has been observed in individual(s) with malignant hyperthermia and/or RYR1-related conditions (PMID: 21455645, 24433488, 35428369). ClinVar contains an entry for this variant (Variation ID: 1213820). Invitae Evidence Modeling of protein sequence and biophysical properties (such as structural, functional, and spatial information, amino acid conservation, physicochemical variation, residue mobility, and thermodynamic stability) indicates that this missense variant is not expected to disrupt RYR1 protein function with a negative predictive value of 80%. In summary, the available evidence is currently insufficient to determine the role of this variant in disease. Therefore, it has been classified as a Variant of Uncertain Significance.

All of Us Research Program, National Institutes of Health
Classification: Uncertain significance for Malignant hyperthermia, susceptibility to, 1. Last evaluated: 2024-09-23. Review status: criteria provided, single submitter. Criteria: ACMG Guidelines, 2015. Collection method: clinical testing. Allele origin: germline. Inheritance: Autosomal dominant inheritance. Observed: 3 variant alleles, 3 heterozygotes. Not counted in ClinVar's aggregate classification.
Comment: This study involves interpretation of variants in research participants for the purpose of population health screening. Participant phenotype was not available at the time of variant classification. Additional details can be found in publication PMID: 35346344, PMCID: PMC8962531

Literature cited by the submitters: PubMed 24433488 (cited by 3 submitters); PubMed 35428369 (cited by Women's Health and Genetics/Laboratory Corporation of America, LabCorp and Labcorp Genetics (formerly Invitae), Labcorp); PubMed 21455645 (cited by 3 submitters).

NM_000540.3(RYR1):c.6377G>A (p.Arg2126Gln)

Gene: RYR1 (ryanodine receptor 1; plus strand). Cytogenetic location: 19q13.2.
Variant type: single nucleotide variant.
Coding change: c.6377G>A on transcript NM_000540.3 (MANE Select); coding-DNA position 6377, G replaced by A.
Protein change: p.Arg2126Gln; replaces arginine 2126 with glutamine.
Molecular consequence: missense variant.
Genome position (GRCh38, 1-based): chr19:38,494,454, G>A. VCF-style: chr19-38494454-G-A. GRCh37 (hg19) VCF-style: chr19-38985094-G-A.
Other names: NM_001042723.2:c.6377G>A; c.6377G>A, p.Arg2126Gln (NM_001042723.2); short protein forms R2126Q.
Identifiers: ClinVar variation 1213820 (VCV001213820.15), dbSNP rs1469128640, ClinGen allele CA405663755.